The following is an entry in ClinVar:

ClinVar aggregate classification (germline): Uncertain significance (1 of 4 stars; one submission).

Submission:

GeneDx
Classification: Uncertain significance. Last evaluated: 2025-04-26. Review status: criteria provided, single submitter. Criteria: GeneDx Variant Classification Process June 2021. Collection method: clinical testing. Allele origin: germline. Affected: yes.
Comment: Not observed at significant frequency in large population cohorts (gnomAD); In silico analysis supports that this missense variant has a deleterious effect on protein structure/function; Has not been previously published as pathogenic or benign to our knowledge

NM_032590.5(KDM2B):c.2168A>T (p.Asn723Ile)

Gene: KDM2B (lysine demethylase 2B; minus strand). Cytogenetic location: 12q24.31.
Variant type: single nucleotide variant.
Coding change: c.2168A>T on transcript NM_032590.5 (MANE Select); coding-DNA position 2168, A replaced by T.
Protein change: p.Asn723Ile; replaces asparagine 723 with isoleucine.
Molecular consequence: missense variant.
Genome position (GRCh38, 1-based): chr12:121,444,472, T>A on the plus strand (A>T on the coding strand, the complement: KDM2B is on the minus strand). VCF-style: chr12-121444472-T-A. GRCh37 (hg19) VCF-style: chr12-121882275-T-A.
Other names: c.2075A>T, p.Asn692Ile (NM_001005366.2, NM_001439025.1, NM_001439026.1); c.2264A>T, p.Asn755Ile (NM_001439014.1, NM_001439015.1); c.2246A>T, p.Asn749Ile (NM_001439016.1); c.2168A>T, p.Asn723Ile (NM_001439017.1, NM_001439018.1); c.2153A>T, p.Asn718Ile (NM_001439020.1); c.2135A>T, p.Asn712Ile (NM_001439021.1); c.2105A>T, p.Asn702Ile (NM_001439022.1, NM_001439023.1, NM_001439029.1); c.2057A>T, p.Asn686Ile (NM_001439028.1); and 1 more; short protein forms N163I, N686I, N692I, N702I, N712I, N718I, N723I, N749I.
Identifiers: ClinVar variation 4527371 (VCV004527371.1).